The following is an entry in ClinVar:

NM_032588.4(TRIM63):c.536C>T (p.Ala179Val)

Gene: TRIM63 (tripartite motif containing 63; minus strand). Cytogenetic location: 1p36.11.
Variant type: single nucleotide variant.
Coding change: c.536C>T on transcript NM_032588.4 (MANE Select); coding-DNA position 536, C replaced by T.
Protein change: p.Ala179Val; replaces alanine 179 with valine.
Molecular consequence: missense variant.
Genome position (GRCh38, 1-based): chr1:26,060,327, G>A on the plus strand (C>T on the coding strand, the complement: TRIM63 is on the minus strand). VCF-style: chr1-26060327-G-A. GRCh37 (hg19) VCF-style: chr1-26386818-G-A.
Other names: short protein forms A179V.
Identifiers: ClinVar variation 4848679 (VCV004848679.2).

ClinVar aggregate classification (germline): Uncertain significance. Review status: criteria provided, multiple submitters, no conflicts (2 of 4 stars). 2 submissions from 2 submitters: Uncertain significance (2). Last evaluated 2026-04-10.

Conditions:
TRIM63-related disorder. Also called: TRIM63-related condition.

gnomAD v4.1: 56 of 1,613,788 alleles (0.0035%); highest among the groups gnomAD compares: East Asian, 0.0067%; no homozygotes.

Submissions (2):

Women's Health and Genetics/Laboratory Corporation of America, LabCorp
Classification: Uncertain significance. Last evaluated: 2026-04-10. Review status: criteria provided, single submitter. Criteria: LabCorp Variant Classification Summary - May 2015. Collection method: clinical testing. Allele origin: germline.
Comment: Variant summary: TRIM63 c.536C>T (p.Ala179Val) results in a non-conservative amino acid change in the encoded protein sequence. Algorithms developed to predict the effect of missense changes on protein structure and function are either unavailable or do not agree on the potential impact of this missense change. The variant allele was found at a frequency of 5.2e-05 in 251362 control chromosomes. This frequency is not significantly higher than estimated for disease-causing variants in TRIM63, allowing no conclusion about variant significance. To our knowledge, no occurrence of c.536C>T in individuals affected with TRIM63-related conditions and no experimental evidence demonstrating its impact on protein function have been reported. No submitters have cited clinical-significance assessments for this variant to ClinVar. Based on the evidence outlined above, the variant was classified as uncertain significance.

PreventionGenetics, part of Exact Sciences
Classification: Uncertain significance for TRIM63-related condition. Last evaluated: 2026-02-26. Review status: criteria provided, single submitter. Criteria: ACMG Guidelines, 2015. Collection method: clinical testing. Allele origin: germline.
Comment: The TRIM63 c.536C>T variant is predicted to result in the amino acid substitution p.Ala179Val. To our knowledge, this variant has not been reported in the literature. This variant is reported in 0.0093% of alleles in individuals of European (Non-Finnish) descent in gnomAD. At this time, the clinical significance of this variant is uncertain due to the absence of conclusive functional and genetic evidence.